The following is an entry in ClinVar:

ClinVar aggregate classification (germline): Likely benign (1 of 4 stars; one submission).

Conditions:
SEMA7A-related disorder. Also called: SEMA7A-related condition.

gnomAD v4.1: 1,198 of 1,614,018 alleles (0.074%); highest among the groups gnomAD compares: Non-Finnish European, 0.089%; 1 homozygote.

Submission:

PreventionGenetics, part of Exact Sciences
Classification: Likely benign for SEMA7A-related condition. Last evaluated: 2025-12-11. Review status: criteria provided, single submitter. Criteria: ACMG Guidelines, 2015. Collection method: clinical testing. Allele origin: germline.
Comment: This variant is classified as likely benign based on ACMG/AMP sequence variant interpretation guidelines (Richards et al. 2015 PMID: 25741868, with internal and published modifications).

NM_003612.5(SEMA7A):c.873C>T (p.Cys291=)

Gene: SEMA7A (semaphorin 7A (JohnMiltonHagen blood group); minus strand). Cytogenetic location: 15q24.1.
Variant type: single nucleotide variant.
Coding change: c.873C>T on transcript NM_003612.5 (MANE Select); coding-DNA position 873, C replaced by T.
Protein change: p.Cys291=; no amino-acid change (cysteine 291 retained).
Molecular consequence: synonymous variant.
Genome position (GRCh38, 1-based): chr15:74,415,914, G>A on the plus strand (C>T on the coding strand, the complement: SEMA7A is on the minus strand). VCF-style: chr15-74415914-G-A. GRCh37 (hg19) VCF-style: chr15-74708255-G-A.
Other names: c.831C>T, p.Cys277= (NM_001146029.3); c.378C>T, p.Cys126= (NM_001146030.3).
Identifiers: ClinVar variation 4989408 (VCV004989408.1).